The following is an entry in ClinVar:

ClinVar aggregate classification (germline): Uncertain significance (1 of 4 stars; one submission).

Allele frequency attached by ClinVar (database versions not stated): TOPMed below 0.00001; gnomAD 0.00001.
gnomAD v4.1: 1 of 1,610,798 alleles (0.000062%); highest among the groups gnomAD compares: Non-Finnish European, 0.000085%; no homozygotes.

Submission:

Labcorp Genetics (formerly Invitae), Labcorp
Classification: Uncertain significance. Last evaluated: 2025-05-16. Review status: criteria provided, single submitter. Criteria: Invitae Variant Classification Sherloc (09022015). Collection method: clinical testing. Allele origin: germline.
Comment: This sequence change replaces valine, which is neutral and non-polar, with glutamic acid, which is acidic and polar, at codon 1152 of the OBSL1 protein (p.Val1152Glu). This variant is not present in population databases (gnomAD no frequency). This variant has not been reported in the literature in individuals affected with OBSL1-related conditions. ClinVar contains an entry for this variant (Variation ID: 1931245). An algorithm developed to predict the effect of missense changes on protein structure and function (PolyPhen-2) suggests that this variant is likely to be disruptive. In summary, the available evidence is currently insufficient to determine the role of this variant in disease. Therefore, it has been classified as a Variant of Uncertain Significance.

NM_015311.3(OBSL1):c.3455T>A (p.Val1152Glu)

Gene: OBSL1 (obscurin like cytoskeletal adaptor 1; minus strand). Cytogenetic location: 2q35.
Variant type: single nucleotide variant.
Coding change: c.3455T>A on transcript NM_015311.3 (MANE Select); coding-DNA position 3455, T replaced by A.
Protein change: p.Val1152Glu; replaces valine 1152 with glutamic acid.
Molecular consequence: missense variant.
Genome position (GRCh38, 1-based): chr2:219,558,231, A>T on the plus strand (T>A on the coding strand, the complement: OBSL1 is on the minus strand). VCF-style: chr2-219558231-A-T. GRCh37 (hg19) VCF-style: chr2-220422953-A-T.
Other names: c.3455T>A, p.Val1152Glu (NM_001173431.2); short protein forms V1152E.
Identifiers: ClinVar variation 1931245 (VCV001931245.5), dbSNP rs1354470372, ClinGen allele CA350737002.
Genomic context (GRCh38, chr2:219,558,231, plus strand): 5'-CAGGAGCACCCACCAGCCAGGATGACATTGAAGGTGATGGCCTCATGCCGGGTCTCACAC[A>T]CATACTCCCCGGCGTCCTCAGGCTGGGCGTGGGGCAGGGTCAGGGTGCGGGTGGGCCCCT-3'
Protein context (NP_056126.1, residues 1142-1162): HAQPEDAGEY[Val1152Glu]CETRHEAITF